The following is an entry in ClinVar:

ClinVar aggregate classification (germline): Uncertain significance. Review status: criteria provided, multiple submitters, no conflicts (2 of 4 stars). 5 submissions from 5 submitters: Uncertain significance (5). Last evaluated 2025-11-22.

Conditions:
Dilated cardiomyopathy 1G (CMD1G). Identifiers: Orphanet 154, MedGen C1858763, MONDO:0011400, OMIM 604145.
Autosomal recessive limb-girdle muscular dystrophy type 2J (LGMDR10). Also called: Limb-girdle muscular dystrophy, type 2J; MUSCULAR DYSTROPHY, LIMB-GIRDLE, AUTOSOMAL RECESSIVE 10. Identifiers: Orphanet 140922, MedGen C1837342, MONDO:0012127, OMIM 608807.
Hypertrophic cardiomyopathy 9. Also called: Familial hypertrophic cardiomyopathy 9. Identifiers: MedGen C1861065, MONDO:0013412, OMIM 613765.
Early-onset myopathy with fatal cardiomyopathy (CMYO5). Also called: CONGENITAL MYOPATHY 5 WITH CARDIOMYOPATHY; Salih Myopathy. Identifiers: Orphanet 289377, MedGen C2673677, MONDO:0012714, OMIM 611705. Disease mechanism: loss of function.
Myopathy, myofibrillar, 9, with early respiratory failure (MFM9). Also called: EDSTROM MYOPATHY; MYOPATHY, PROXIMAL, WITH EARLY RESPIRATORY MUSCLE INVOLVEMENT; Hereditary myopathy with early respiratory failure; Myopathy, distal, with early respiratory failure, autosomal dominant. Identifiers: Orphanet 178464, Orphanet 34521, MedGen C1863599, MONDO:0011362, OMIM 603689.
Tibial muscular dystrophy (TMD). Also called: Tibial muscular dystrophy, tardive; UDD MYOPATHY; Udd Distal Myopathy – Tibial Muscular Dystrophy. Identifiers: Orphanet 609, MedGen C1838244, MONDO:0010870, OMIM 600334.

Allele frequency attached by ClinVar (database versions not stated): ESP Exome Variant Server 0.00008; TOPMed below 0.00001; gnomAD 0.00001.
gnomAD v4.1: 6 of 1,613,716 alleles (0.00037%); highest among the groups gnomAD compares: Non-Finnish European, 0.00051%; no homozygotes.

Submissions (5):

Labcorp Genetics (formerly Invitae), Labcorp
Classification: Uncertain significance for Dilated cardiomyopathy 1G; Autosomal recessive limb-girdle muscular dystrophy type 2J. Last evaluated: 2025-11-22. Review status: criteria provided, single submitter. Criteria: Invitae Variant Classification Sherloc (09022015). Collection method: clinical testing. Allele origin: germline.
Comment: This sequence change replaces lysine, which is basic and polar, with asparagine, which is neutral and polar, at codon 33843 of the TTN protein (p.Lys33843Asn). This variant is present in population databases (rs377406091, gnomAD 0.0009%). This missense change has been observed in individual(s) with TTN-related conditions (PMID: 34389451). ClinVar contains an entry for this variant (Variation ID: 1021207). Experimental studies and prediction algorithms are not available or were not evaluated, and the functional significance of this variant is currently unknown. This variant is located in the M band of TTN (PMID: 25589632). Non-truncating variants in this region may be relevant for neuromuscular disorders, but have not been definitively shown to cause cardiomyopathy (PMID: 23975875). In summary, the available evidence is currently insufficient to determine the role of this variant in disease. Therefore, it has been classified as a Variant of Uncertain Significance.

Women's Health and Genetics/Laboratory Corporation of America, LabCorp
Classification: Uncertain significance. Last evaluated: 2025-07-09. Review status: criteria provided, single submitter. Criteria: LabCorp Variant Classification Summary - May 2015. Collection method: clinical testing. Allele origin: germline.
Comment: Variant summary: TTN c.93825G>C (p.Lys31275Asn) results in a non-conservative amino acid change in the encoded protein sequence. Algorithms developed to predict the effect of missense changes on protein structure and function are either unavailable or do not agree on the potential impact of this missense change. The variant allele was found at a frequency of 4e-06 in 248684 control chromosomes. The available data on variant occurrences in the general population are insufficient to allow any conclusion about variant significance. c.93825G>C has been observed in an individual with Hypertrophic Cardiomyopathy (HCM) who sufferred a sudden cardiac death, however the variant did not segregate with HCM within the family and a different variant was determined to be the most likely genetic cause (Gaertner-Rommel_2019). This report does not provide unequivocal conclusions about association of the variant with Dilated Cardiomyopathy. To our knowledge, no experimental evidence demonstrating an impact on protein function has been reported. The following publication has been ascertained in the context of this evaluation (PMID: 31293105). ClinVar contains an entry for this variant (Variation ID: 1021207). Based on the evidence outlined above, the variant was classified as uncertain significance.

Department of Pathology and Laboratory Medicine, Sinai Health System
Classification: Uncertain significance for Tibial muscular dystrophy; Myopathy, myofibrillar, 9, with early respiratory failure; Dilated cardiomyopathy 1G; Autosomal recessive limb-girdle muscular dystrophy type 2J; Early-onset myopathy with fatal cardiomyopathy; Hypertrophic cardiomyopathy 9. Last evaluated: 2021-10-21. Review status: criteria provided, single submitter. Criteria: ACMG Guidelines, 2015. Collection method: research. Allele origin: germline.

Fulgent Genetics
Classification: Uncertain significance for Tibial muscular dystrophy; Myopathy, myofibrillar, 9, with early respiratory failure; Dilated cardiomyopathy 1G; Autosomal recessive limb-girdle muscular dystrophy type 2J; Early-onset myopathy with fatal cardiomyopathy; Hypertrophic cardiomyopathy 9. Last evaluated: 2021-09-13. Review status: criteria provided, single submitter. Criteria: ACMG Guidelines, 2015. Collection method: clinical testing. Allele origin: unknown.

Mayo Clinic Laboratories, Mayo Clinic
Classification: Uncertain significance. Last evaluated: 2019-05-19. Review status: criteria provided, single submitter. Criteria: ACMG Guidelines, 2015. Collection method: clinical testing. Allele origin: germline. Observed: 1 variant allele.

Literature cited by the submitters: PubMed 34389451 (cited by Labcorp Genetics (formerly Invitae), Labcorp); PubMed 25589632 (cited by Labcorp Genetics (formerly Invitae), Labcorp); PubMed 23975875 (cited by Labcorp Genetics (formerly Invitae), Labcorp); PubMed 31293105 (cited by Women's Health and Genetics/Laboratory Corporation of America, LabCorp).

NM_001267550.2(TTN):c.101529G>C (p.Lys33843Asn)

Genes: TTN (titin; minus strand), TTN-AS1 (TTN antisense RNA 1; plus strand). Cytogenetic location: 2q31.2.
Variant type: single nucleotide variant.
Coding change: c.101529G>C on transcript NM_001267550.2 (MANE Select); coding-DNA position 101529, G replaced by C.
Protein change: p.Lys33843Asn; replaces lysine 33843 with asparagine.
Molecular consequence: missense variant.
Genome position (GRCh38, 1-based): chr2:178,535,086, C>G on the plus strand (G>C on the coding strand, the complement: TTN is on the minus strand). VCF-style: chr2-178535086-C-G. GRCh37 (hg19) VCF-style: chr2-179399813-C-G.
Other names: c.96606G>C, p.Lys32202Asn (NM_001256850.1); c.74334G>C, p.Lys24778Asn (NM_003319.4); c.93825G>C, p.Lys31275Asn (NM_133378.4); c.74709G>C, p.Lys24903Asn (NM_133432.3); c.74910G>C, p.Lys24970Asn (NM_133437.4); short protein forms K24778N, K24903N, K24970N, K31275N, K32202N, K33843N.
Identifiers: ClinVar variation 1021207 (VCV001021207.14), dbSNP rs377406091, ClinGen allele CA1985870.